The following is an entry in ClinVar:

NM_005996.4(TBX3):c.690C>T (p.Pro230=)

Gene: TBX3 (T-box transcription factor 3; minus strand). Cytogenetic location: 12q24.21.
Variant type: single nucleotide variant.
Coding change: c.690C>T on transcript NM_005996.4 (MANE Select); coding-DNA position 690, C replaced by T.
Protein change: p.Pro230=; no amino-acid change (proline 230 retained).
Molecular consequence: synonymous variant.
Genome position (GRCh38, 1-based): chr12:114,679,619, G>A on the plus strand (C>T on the coding strand, the complement: TBX3 is on the minus strand). VCF-style: chr12-114679619-G-A. GRCh37 (hg19) VCF-style: chr12-115117424-G-A.
Other names: c.750C>T, p.Pro250= (NM_016569.4); c.750C>T (NM_016569.3).
Identifiers: ClinVar variation 1631592 (VCV001631592.10), dbSNP rs375009658, ClinGen allele CA6810109.

ClinVar aggregate classification (germline): Likely benign. Review status: criteria provided, single submitter (1 of 4 stars). 2 submissions from 2 submitters: Likely benign (1). 1 of the submissions does not count toward it. Last evaluated 2024-03-26.

Conditions:
TBX3-related disorder. Also called: TBX3-related condition.
Ulnar-mammary syndrome (UMS). Also called: Ulnar-mammary syndrome of Pallister; SCHINZEL SYNDROME; PALLISTER ULNAR-MAMMARY SYNDROME. Identifiers: Orphanet 3138, MedGen C1866994, MONDO:0008411, OMIM 181450.

Allele frequency attached by ClinVar (database versions not stated): ExAC 0.00002; gnomAD 0.00004; gnomAD exomes 0.00006; TOPMed 0.00008; ESP Exome Variant Server 0.00015.

Submissions (2):

Labcorp Genetics (formerly Invitae), Labcorp
Classification: Likely benign for Ulnar-mammary syndrome. Last evaluated: 2024-03-26. Review status: criteria provided, single submitter. Criteria: Invitae Variant Classification Sherloc (09022015). Collection method: clinical testing. Allele origin: germline.

PreventionGenetics, part of Exact Sciences
Classification: Likely benign for TBX3-related condition. Last evaluated: 2020-04-20. Review status: no assertion criteria provided. Collection method: clinical testing. Allele origin: germline. Not counted in ClinVar's aggregate classification.
Comment: This variant is classified as likely benign based on ACMG/AMP sequence variant interpretation guidelines (Richards et al. 2015 PMID: 25741868, with internal and published modifications).